The following is an entry in ClinVar:

NM_014159.7(SETD2):c.3406G>A (p.Gly1136Arg)

Gene: SETD2 (SET domain containing 2, histone lysine methyltransferase; minus strand). Cytogenetic location: 3p21.31.
Variant type: single nucleotide variant.
Coding change: c.3406G>A on transcript NM_014159.7 (MANE Select); coding-DNA position 3406, G replaced by A.
Protein change: p.Gly1136Arg; replaces glycine 1136 with arginine.
Molecular consequence: missense variant. On other transcripts: non-coding transcript variant (1).
Genome position (GRCh38, 1-based): chr3:47,121,230, C>T on the plus strand (G>A on the coding strand, the complement: SETD2 is on the minus strand). VCF-style: chr3-47121230-C-T. GRCh37 (hg19) VCF-style: chr3-47162720-C-T.
Other names: c.3274G>A, p.Gly1092Arg (NM_001349370.3); short protein forms G1092R, G1136R.
Identifiers: ClinVar variation 1699691 (VCV001699691.2), dbSNP rs1305587765, ClinGen allele CA352522584.
Genomic context (GRCh38, chr3:47,121,230, plus strand): 5'-GATTATCTATTTGTTTTCTACTGGACTGTGTAAAAGAAATTTCCGGATTCTTCTCTGTTC[C>T]TTTATGAAGGAAAAACTTATCAGTTTGAGGACAGGCTTTACTTGCTATACTTTCAAATTT-3'
Protein context (NP_054878.5, residues 1126-1146): PQTDKFFLHK[Gly1136Arg]TEKNPEISFT

ClinVar aggregate classification (germline): Uncertain significance (1 of 4 stars; one submission).

Allele frequency attached by ClinVar (database versions not stated): TOPMed below 0.00001.

Submission:

GeneDx
Classification: Uncertain significance. Last evaluated: 2022-01-20. Review status: criteria provided, single submitter. Criteria: GeneDx Variant Classification Process June 2021. Collection method: clinical testing. Allele origin: germline. Affected: yes.
Comment: Not observed at significant frequency in large population cohorts (gnomAD); In silico analysis supports that this missense variant has a deleterious effect on protein structure/function; Has not been previously published as pathogenic or benign to our knowledge